The following is an entry in ClinVar:

ClinVar aggregate classification (germline): Likely benign (1 of 4 stars; one submission).

gnomAD v4.1: 44 of 1,612,992 alleles (0.0027%); highest among the groups gnomAD compares: African/African-American, 0.016%; no homozygotes.

Submission:

CeGaT Center for Human Genetics Tuebingen
Classification: Likely benign. Last evaluated: 2026-08-01. Review status: criteria provided, single submitter. Criteria: CeGaT Center For Human Genetics Tuebingen Variant Classification Criteria Version 2. Collection method: clinical testing. Allele origin: germline. Affected: yes. Observed: 1 variant allele.
Comment: MAPK8IP3: BP4, BP7

NM_001318852.2(MAPK8IP3):c.1767G>A (p.Pro589=)

Gene: MAPK8IP3 (mitogen-activated protein kinase 8 interacting protein 3; plus strand). Cytogenetic location: 16p13.3.
Variant type: single nucleotide variant.
Coding change: c.1767G>A on transcript NM_001318852.2 (MANE Select); coding-DNA position 1767, G replaced by A.
Protein change: p.Pro589=; no amino-acid change (proline 589 retained).
Molecular consequence: synonymous variant.
Genome position (GRCh38, 1-based): chr16:1,762,875, G>A. VCF-style: chr16-1762875-G-A. GRCh37 (hg19) VCF-style: chr16-1812876-G-A.
Other names: c.1746G>A, p.Pro582= (NM_001040439.2); c.1764G>A, p.Pro588= (NM_015133.5).
Identifiers: ClinVar variation 5038676 (VCV005038676.1).